The following is an entry in ClinVar:

ClinVar aggregate classification (germline): Uncertain significance (1 of 4 stars; one submission).

Conditions:
Mendelian susceptibility to mycobacterial diseases due to complete ISG15 deficiency. Also called: Immunodeficiency 38; IMMUNODEFICIENCY 38, MYCOBACTERIOSIS, AUTOSOMAL RECESSIVE; ISG15 DEFICIENCY, AUTOSOMAL RECESSIVE; Immunodeficiency 38 with basal ganglia calcification. Identifiers: Orphanet 319563, MedGen C4015293, MONDO:0014502, OMIM 616126.

Allele frequency attached by ClinVar (database versions not stated): gnomAD 0.00001; ExAC 0.00002; gnomAD exomes 0.00002 and 0.00005; TOPMed 0.00002; ESP Exome Variant Server 0.00008.

Submission:

Labcorp Genetics (formerly Invitae), Labcorp
Classification: Uncertain significance for Mendelian susceptibility to mycobacterial diseases due to complete ISG15 deficiency. Last evaluated: 2021-08-16. Review status: criteria provided, single submitter. Criteria: Invitae Variant Classification Sherloc (09022015). Collection method: clinical testing. Allele origin: germline.
Comment: Algorithms developed to predict the effect of variants on protein structure and function are not available or were not evaluated for this variant. This sequence change creates a premature translational stop signal (p.Gln118*) in the ISG15 gene. While this is not anticipated to result in nonsense mediated decay, it is expected to disrupt the last 48 amino acid(s) of the ISG15 protein. This variant is present in population databases (rs372152360, ExAC 0.01%). This premature translational stop signal has been observed in individual(s) with ISG15-related conditions (PMID: 32402279). ClinVar contains an entry for this variant (Variation ID: 1061485). Experimental studies have shown that this premature translational stop signal affects ISG15 function (PMID: 32402279). In summary, the available evidence is currently insufficient to determine the role of this variant in disease. Therefore, it has been classified as a Variant of Uncertain Significance.

Literature cited by the submitters: PubMed 32402279.

NM_005101.4(ISG15):c.352C>T (p.Gln118Ter)

Gene: ISG15 (ISG15 ubiquitin like modifier; plus strand). Cytogenetic location: 1p36.33.
Variant type: single nucleotide variant.
Coding change: c.352C>T on transcript NM_005101.4 (MANE Select); coding-DNA position 352, C replaced by T.
Protein change: p.Gln118Ter; replaces glutamine 118 with a stop codon.
Molecular consequence: nonsense.
Genome position (GRCh38, 1-based): chr1:1,014,332, C>T. VCF-style: chr1-1014332-C-T. GRCh37 (hg19) VCF-style: chr1-949712-C-T.
Other names: short protein forms Q118*.
Identifiers: ClinVar variation 1061485 (VCV001061485.5), dbSNP rs372152360, ClinGen allele CA507688.